The following is an entry in ClinVar:

NM_000278.5(PAX2):c.616+5586T>C

Genes: PAX2 (paired box 2; plus strand), LOC110120845 (VISTA enhancer hs229; plus strand). Cytogenetic location: 10q24.31.
Variant type: single nucleotide variant.
Coding change: c.616+5586T>C on transcript NM_000278.5 (MANE Select); 5586 bases into the intron after coding-DNA position 616, T replaced by C.
Molecular consequence: intron variant. On other transcripts: missense variant (2).
Genome position (GRCh38, 1-based): chr10:100,786,951, T>C. VCF-style: chr10-100786951-T-C. GRCh37 (hg19) VCF-style: chr10-102546708-T-C.
Other names: c.625T>C, p.Tyr209His (NM_003987.5, NM_003990.5); c.709+5586T>C (NM_001304569.2); c.616+5586T>C (NM_003988.5, NM_003989.5); short protein forms Y209H.
Identifiers: ClinVar variation 4535951 (VCV004535951.1).

ClinVar aggregate classification (germline): Uncertain significance (1 of 4 stars; one submission).

gnomAD v4.1: 8 of 1,387,938 alleles (0.00058%); highest among the groups gnomAD compares: South Asian, 0.0068%; no homozygotes.

Submission:

Women's Health and Genetics/Laboratory Corporation of America, LabCorp
Classification: Uncertain significance. Last evaluated: 2025-09-30. Review status: criteria provided, single submitter. Criteria: LabCorp Variant Classification Summary - May 2015. Collection method: clinical testing. Allele origin: germline.
Comment: Variant summary: PAX2 c.625T>C (p.Tyr209His) results in a conservative amino acid change in the encoded protein sequence. Algorithms developed to predict the effect of missense changes on protein structure and function are either unavailable or do not agree on the potential impact of this missense change. The variant allele was found at a frequency of 8e-06 in 249216 control chromosomes. The available data on variant occurrences in the general population are insufficient to allow any conclusion about variant significance. To our knowledge, no occurrence of c.625T>C in individuals affected with PAX2-related conditions and no experimental evidence demonstrating its impact on protein function have been reported. No submitters have cited clinical-significance assessments for this variant to ClinVar. Based on the evidence outlined above, the variant was classified as uncertain significance.